The following is an entry in ClinVar:

ClinVar aggregate classification (germline): Uncertain significance (1 of 4 stars; one submission).

Submission:

Ambry Genetics
Classification: Uncertain significance. Last evaluated: 2026-02-17. Review status: criteria provided, single submitter. Criteria: Ambry Variant Classification Scheme 2023. Collection method: clinical testing. Allele origin: germline.
Comment: The c.5728G>C (p.D1910H) alteration is located in exon 7 (coding exon 7) of the AHNAK2 gene. This alteration results from a G to C substitution at nucleotide position 5728, causing the aspartic acid (D) at amino acid position 1910 to be replaced by a histidine (H). Based on data from gnomAD, the C allele has an overall frequency of 0.01% (26/273988) total alleles studied. The highest observed frequency was 0.065% (15/23244) of African alleles. Based on insufficient or conflicting evidence, the clinical significance of this alteration remains unclear.

NM_138420.4(AHNAK2):c.5728G>C (p.Asp1910His)

Gene: AHNAK2 (AHNAK nucleoprotein 2; minus strand). Cytogenetic location: 14q32.33.
Variant type: single nucleotide variant.
Coding change: c.5728G>C on transcript NM_138420.4 (MANE Select); coding-DNA position 5728, G replaced by C.
Protein change: p.Asp1910His; replaces aspartic acid 1910 with histidine.
Molecular consequence: missense variant.
Genome position (GRCh38, 1-based): chr14:104,949,723, C>G on the plus strand (G>C on the coding strand, the complement: AHNAK2 is on the minus strand). VCF-style: chr14-104949723-C-G. GRCh37 (hg19) VCF-style: chr14-105416060-C-G.
Other names: c.5428G>C, p.Asp1810His (NM_001350929.2); short protein forms D1810H, D1910H.
Identifiers: ClinVar variation 4829267 (VCV004829267.1).